The following is an entry in ClinVar:

NM_030632.3(ASXL3):c.4915C>G (p.Pro1639Ala)

Gene: ASXL3 (ASXL transcriptional regulator 3; plus strand). Cytogenetic location: 18q12.1.
Variant type: single nucleotide variant.
Coding change: c.4915C>G on transcript NM_030632.3 (MANE Select); coding-DNA position 4915, C replaced by G.
Protein change: p.Pro1639Ala; replaces proline 1639 with alanine.
Molecular consequence: missense variant.
Genome position (GRCh38, 1-based): chr18:33,744,763, C>G. VCF-style: chr18-33744763-C-G. GRCh37 (hg19) VCF-style: chr18-31324727-C-G.
Other names: short protein forms P1639A.
Identifiers: ClinVar variation 3364262 (VCV003364262.1).

ClinVar aggregate classification (germline): Uncertain significance (1 of 4 stars; one submission).

Submission:

GeneDx
Classification: Uncertain significance. Last evaluated: 2023-11-10. Review status: criteria provided, single submitter. Criteria: GeneDx Variant Classification Process June 2021. Collection method: clinical testing. Allele origin: germline. Affected: yes.
Comment: Not observed at significant frequency in large population cohorts (gnomAD); In silico analysis supports that this missense variant does not alter protein structure/function; Has not been previously published as pathogenic or benign to our knowledge